The following is an entry in ClinVar:

NM_001372.4(DNAH9):c.3767A>G (p.Gln1256Arg)

Gene: DNAH9 (dynein axonemal heavy chain 9; plus strand). Cytogenetic location: 17p12.
Variant type: single nucleotide variant.
Coding change: c.3767A>G on transcript NM_001372.4 (MANE Select); coding-DNA position 3767, A replaced by G.
Protein change: p.Gln1256Arg; replaces glutamine 1256 with arginine.
Molecular consequence: missense variant.
Genome position (GRCh38, 1-based): chr17:11,689,589, A>G. VCF-style: chr17-11689589-A-G. GRCh37 (hg19) VCF-style: chr17-11592906-A-G.
Other names: short protein forms Q1256R.
Identifiers: ClinVar variation 1723755 (VCV001723755.8), dbSNP rs763355629, ClinGen allele CA8395550.

ClinVar aggregate classification (germline): Uncertain significance. Review status: criteria provided, multiple submitters, no conflicts (2 of 4 stars). 3 submissions from 3 submitters: Uncertain significance (3). Last evaluated 2025-01-22.

Conditions:
Inborn genetic diseases. Identifiers: MedGen C0950123, MeSH D030342.

Allele frequency attached by ClinVar (database versions not stated): TOPMed 0.00008; gnomAD 0.00001; gnomAD exomes 0.00005; ExAC 0.00008.
gnomAD v4.1: 31 of 1,613,572 alleles (0.0019%); highest among the groups gnomAD compares: Admixed American, 0.052%; no homozygotes.

Submissions (3):

Ambry Genetics
Classification: Uncertain significance for Inborn genetic diseases. Last evaluated: 2025-01-22. Review status: criteria provided, single submitter. Criteria: Ambry Variant Classification Scheme 2023. Collection method: clinical testing. Allele origin: germline.

Labcorp Genetics (formerly Invitae), Labcorp
Classification: Uncertain significance. Last evaluated: 2024-11-30. Review status: criteria provided, single submitter. Criteria: Invitae Variant Classification Sherloc (09022015). Collection method: clinical testing. Allele origin: germline.
Comment: This sequence change replaces glutamine, which is neutral and polar, with arginine, which is basic and polar, at codon 1256 of the DNAH9 protein (p.Gln1256Arg). This variant is present in population databases (rs763355629, gnomAD 0.08%). This variant has not been reported in the literature in individuals affected with DNAH9-related conditions. ClinVar contains an entry for this variant (Variation ID: 1723755). An algorithm developed to predict the effect of missense changes on protein structure and function outputs the following: PolyPhen-2: "Benign". The arginine amino acid residue is found in multiple mammalian species, which suggests that this missense change does not adversely affect protein function. In summary, the available evidence is currently insufficient to determine the role of this variant in disease. Therefore, it has been classified as a Variant of Uncertain Significance.

GeneDx
Classification: Uncertain significance. Last evaluated: 2023-03-16. Review status: criteria provided, single submitter. Criteria: GeneDx Variant Classification Process June 2021. Collection method: clinical testing. Allele origin: germline. Affected: yes.
Comment: In silico analysis supports that this missense variant does not alter protein structure/function; Has not been previously published as pathogenic or benign to our knowledge